The following is an entry in ClinVar:

NM_000487.6(ARSA):c.412_413delinsA (p.Pro138fs)

Gene: ARSA (arylsulfatase A; minus strand). Cytogenetic location: 22q13.33.
Variant type: Indel.
Coding change: c.412_413delinsA on transcript NM_000487.6 (MANE Select); coding-DNA positions 412 to 413, CC replaced by A.
Protein change: p.Pro138fs; shifts the reading frame from proline 138.
Molecular consequence: frameshift variant.
Genome position (GRCh38, 1-based): chr22:50,627,218-50,627,219, GG replaced by T on the plus strand (CC replaced by A on the coding strand, the reverse complement: ARSA is on the minus strand). VCF-style: chr22-50627218-GG-T. GRCh37 (hg19) VCF-style: chr22-51065646-GG-T.
Other names: c.412_413delinsA, p.Pro138fs (NM_001085425.3, NM_001085426.3, NM_001085427.3); c.154_155delinsA, p.Pro52fs (NM_001085428.3, NM_001362782.2); short protein forms P138fs, P52fs.
Identifiers: ClinVar variation 5004739 (VCV005004739.1).

ClinVar aggregate classification (germline): Pathogenic (1 of 4 stars; one submission).

Conditions:
Metachromatic leukodystrophy (MLD). Also called: ARSA DEFICIENCY; CEREBROSIDE SULFATASE DEFICIENCY; METACHROMATIC LEUKOENCEPHALOPATHY; Cerebral sclerosis diffuse metachromatic form; Arylsulfatase A Deficiency; SULFATIDE LIPIDOSIS. Identifiers: Orphanet 512, MedGen C0023522, MONDO:0018868, OMIM 250100.

Submission:

Myriad Genetics, Inc.
Classification: Pathogenic for Metachromatic leukodystrophy. Last evaluated: 2026-06-19. Review status: criteria provided, single submitter. Criteria: Myriad Autosomal Dominant, Autosomal Recessive and X-Linked Classification Criteria (2023). Collection method: clinical testing. Allele origin: unknown.
Comment: NM_000487.5(ARSA):c.412_413delCCinsA(P138Tfs*10) is a frameshift variant classified as pathogenic in the context of metachromatic leukodystrophy. P138Tfs*10 has not been observed in cases with relevant disease. Relevant functional assessments of this variant are not available in the literature. P138Tfs*10 has not been observed in referenced population frequency databases. In summary, NM_000487.5(ARSA):c.412_413delCCinsA(P138Tfs*10) is a frameshift variant in a gene where loss of function is a known mechanism of disease and is predicted to disrupt protein function. Please note: this variant was assessed in the context of healthy population screening.